The following is an entry in ClinVar:

NM_018418.5(SPATA7):c.1175T>C (p.Leu392Pro)

Gene: SPATA7 (spermatogenesis associated 7; plus strand). Cytogenetic location: 14q31.3.
Variant type: single nucleotide variant.
Coding change: c.1175T>C on transcript NM_018418.5 (MANE Select); coding-DNA position 1175, T replaced by C.
Protein change: p.Leu392Pro; replaces leucine 392 with proline.
Molecular consequence: missense variant.
Genome position (GRCh38, 1-based): chr14:88,437,557, T>C. VCF-style: chr14-88437557-T-C. GRCh37 (hg19) VCF-style: chr14-88903901-T-C.
Other names: c.1079T>C, p.Leu360Pro (NM_001040428.4); short protein forms L360P, L392P.
Identifiers: ClinVar variation 1513141 (VCV001513141.6), dbSNP rs2077122465, ClinGen allele CA390570585.

ClinVar aggregate classification (germline): Uncertain significance (1 of 4 stars; one submission).

Conditions:
Leber congenital amaurosis 3 (LCA3). Also called: SPATA7-Related Retinitis Pigmentosa. Identifiers: MedGen C1858677, MONDO:0011415, OMIM 604232.

Submission:

Labcorp Genetics (formerly Invitae), Labcorp
Classification: Uncertain significance for Leber congenital amaurosis 3. Last evaluated: 2021-10-04. Review status: criteria provided, single submitter. Criteria: Invitae Variant Classification Sherloc (09022015). Collection method: clinical testing. Allele origin: germline.
Comment: In summary, the available evidence is currently insufficient to determine the role of this variant in disease. Therefore, it has been classified as a Variant of Uncertain Significance. Algorithms developed to predict the effect of missense changes on protein structure and function are either unavailable or do not agree on the potential impact of this missense change (SIFT: "Deleterious"; PolyPhen-2: "Probably Damaging"; Align-GVGD: "Class C0"). This variant has not been reported in the literature in individuals affected with SPATA7-related conditions. This variant is not present in population databases (ExAC no frequency). This sequence change replaces leucine with proline at codon 392 of the SPATA7 protein (p.Leu392Pro). The leucine residue is highly conserved and there is a moderate physicochemical difference between leucine and proline.